The following is an entry in ClinVar:

ClinVar aggregate classification (germline): Uncertain significance (1 of 4 stars; one submission).

Submission:

Labcorp Genetics (formerly Invitae), Labcorp
Classification: Uncertain significance. Last evaluated: 2022-03-22. Review status: criteria provided, single submitter. Criteria: Invitae Variant Classification Sherloc (09022015). Collection method: clinical testing. Allele origin: germline.
Comment: This sequence change replaces lysine, which is basic and polar, with glutamine, which is neutral and polar, at codon 268 of the PNPLA8 protein (p.Lys268Gln). This variant is not present in population databases (gnomAD no frequency). This variant has not been reported in the literature in individuals affected with PNPLA8-related conditions. Algorithms developed to predict the effect of missense changes on protein structure and function (SIFT, PolyPhen-2, Align-GVGD) all suggest that this variant is likely to be tolerated. In summary, the available evidence is currently insufficient to determine the role of this variant in disease. Therefore, it has been classified as a Variant of Uncertain Significance.

NM_001256007.3(PNPLA8):c.802A>C (p.Lys268Gln)

Gene: PNPLA8 (patatin like domain 8, phospholipase A2; minus strand). Cytogenetic location: 7q31.1.
Variant type: single nucleotide variant.
Coding change: c.802A>C on transcript NM_001256007.3 (MANE Select); coding-DNA position 802, A replaced by C.
Protein change: p.Lys268Gln; replaces lysine 268 with glutamine.
Molecular consequence: missense variant.
Genome position (GRCh38, 1-based): chr7:108,514,690, T>G on the plus strand (A>C on the coding strand, the complement: PNPLA8 is on the minus strand). VCF-style: chr7-108514690-T-G. GRCh37 (hg19) VCF-style: chr7-108155134-T-G.
Other names: c.802A>C, p.Lys268Gln (NM_001256008.3, NM_001256009.3, NM_015723.5); c.502A>C, p.Lys168Gln (NM_001256010.3, NM_001256011.3); short protein forms K268Q, K168Q.
Identifiers: ClinVar variation 2127549 (VCV002127549.1), dbSNP rs752576177, ClinGen allele CA164320682.
Genomic context (GRCh38, chr7:108,514,690, plus strand): 5'-CAATACTTTGTTTAGTTGAAACTTGAAGAACATCAGGTATCGCAGAAGGACTTGTAGGCT[T>G]GTCCACCGTATGTACAGATTCTGAGCCTGGCTTATAAGCCAGGATGCCAGGATCTGGAGA-3'
Protein context (NP_001242936.1, residues 258-278): PGSESVHTVD[Lys268Gln]PTSPSAIPDV